The following is an entry in ClinVar:

ClinVar aggregate classification (germline): Uncertain significance. Review status: criteria provided, multiple submitters, no conflicts (2 of 4 stars). 2 submissions from 2 submitters: Uncertain significance (2). Last evaluated 2026-07-18.

Conditions:
Neuroblastoma, susceptibility to, 3. Also called: ALK-Related Neuroblastic Tumor Susceptibility. Identifiers: Orphanet 635, MedGen C2751681, MONDO:0013083, OMIM 613014.
Hereditary cancer-predisposing syndrome. Also called: Hereditary neoplastic syndrome; Neoplastic Syndromes, Hereditary; Tumor predisposition; Hereditary Cancer Syndrome. Identifiers: Orphanet 140162, MedGen C0027672, MeSH D009386, MONDO:0015356.

Submissions (2):

Ambry Genetics
Classification: Uncertain significance for Hereditary cancer-predisposing syndrome. Last evaluated: 2026-07-18. Review status: criteria provided, single submitter. Criteria: Ambry Variant Classification Scheme 2023. Collection method: clinical testing. Allele origin: germline.
Comment: The p.S430P variant (also known as c.1288T>C), located in coding exon 6 of the ALK gene, results from a T to C substitution at nucleotide position 1288. The serine at codon 430 is replaced by proline, an amino acid with similar properties. This amino acid position is conserved. In addition, this alteration is predicted to be tolerated by in silico analysis. Based on the available evidence, the clinical significance of this variant remains unclear.

Labcorp Genetics (formerly Invitae), Labcorp
Classification: Uncertain significance for Neuroblastoma, susceptibility to, 3. Last evaluated: 2024-04-25. Review status: criteria provided, single submitter. Criteria: Invitae Variant Classification Sherloc (09022015). Collection method: clinical testing. Allele origin: germline.
Comment: This sequence change replaces serine, which is neutral and polar, with proline, which is neutral and non-polar, at codon 430 of the ALK protein (p.Ser430Pro). This variant is not present in population databases (gnomAD no frequency). This variant has not been reported in the literature in individuals affected with ALK-related conditions. Algorithms developed to predict the effect of missense changes on protein structure and function output the following: SIFT: "Not Available"; PolyPhen-2: "Benign"; Align-GVGD: "Not Available". The proline amino acid residue is found in multiple mammalian species, which suggests that this missense change does not adversely affect protein function. In summary, the available evidence is currently insufficient to determine the role of this variant in disease. Therefore, it has been classified as a Variant of Uncertain Significance.

NM_004304.5(ALK):c.1288T>C (p.Ser430Pro)

Gene: ALK (ALK receptor tyrosine kinase; minus strand). Cytogenetic location: 2p23.2.
Variant type: single nucleotide variant.
Coding change: c.1288T>C on transcript NM_004304.5 (MANE Select); coding-DNA position 1288, T replaced by C.
Protein change: p.Ser430Pro; replaces serine 430 with proline.
Molecular consequence: missense variant.
Genome position (GRCh38, 1-based): chr2:29,328,476, A>G on the plus strand (T>C on the coding strand, the complement: ALK is on the minus strand). VCF-style: chr2-29328476-A-G. GRCh37 (hg19) VCF-style: chr2-29551342-A-G.
Other names: c.1288T>C (NM_004304.4); short protein forms S430P.
Identifiers: ClinVar variation 3608895 (VCV003608895.3).
Genomic context (GRCh38, chr2:29,328,476, plus strand): 5'-GGAGGACTGTCCCATTCCAACAAGTGAAGGAGCTCTGCAGGGCCATCTTGGAGCCTGGGG[A>G]TGTTCCTGGAGAGCACACAGACACACAACCATGGTAAGTTTGCATGGCCCCAGGCAGCAG-3'
Protein context (NP_004295.2, residues 420-440): FALKNCSEGT[Ser430Pro]PGSKMALQSS